The following is an entry in ClinVar:

NM_000212.3(ITGB3):c.1784_1803delinsGTCACA (p.Ser595fs)

Gene: ITGB3 (integrin subunit beta 3; plus strand). Cytogenetic location: 17q21.32.
Variant type: Indel.
Coding change: c.1784_1803delinsGTCACA on transcript NM_000212.3 (MANE Select); coding-DNA positions 1784 to 1803, CCAGCAATGGGCTGCTGTGC replaced by GTCACA.
Protein change: p.Ser595fs; shifts the reading frame from serine 595.
Molecular consequence: frameshift variant.
Genome position (GRCh38, 1-based): chr17:47,299,401-47,299,420, CCAGCAATGGGCTGCTGTGC replaced by GTCACA. VCF-style: chr17-47299401-CCAGCAATGGGCTGCTGTGC-GTCACA. GRCh37 (hg19) VCF-style: chr17-45376767-CCAGCAATGGGCTGCTGTGC-GTCACA.
Other names: short protein forms S595fs.
Identifiers: ClinVar variation 5019548 (VCV005019548.2).

ClinVar aggregate classification (germline): Likely pathogenic (1 of 4 stars; one submission).

Conditions:
Glanzmann thrombasthenia 2. Also called: BLEEDING DISORDER, PLATELET-TYPE, 23. Identifiers: MedGen C5543273, MONDO:0031009, OMIM 619267.

Submission:

Juno Genomics, Hangzhou Juno Genomics, Inc
Classification: Likely pathogenic for Glanzmann thrombasthenia 2. Review status: criteria provided, single submitter. Criteria: ACMG Guidelines, 2015. Collection method: clinical testing. Allele origin: germline.
Comment: Absent from controls (or at extremely low frequency if recessive) in Genome Aggregation Database.;Null variant in a gene where loss of function (LOF) is a known mechanism of disease.